The following is an entry in ClinVar:

NM_003742.4(ABCB11):c.401T>C (p.Ile134Thr)

Gene: ABCB11 (ATP binding cassette subfamily B member 11; minus strand). Cytogenetic location: 2q31.1.
Variant type: single nucleotide variant.
Coding change: c.401T>C on transcript NM_003742.4 (MANE Select); coding-DNA position 401, T replaced by C.
Protein change: p.Ile134Thr; replaces isoleucine 134 with threonine.
Molecular consequence: missense variant.
Genome position (GRCh38, 1-based): chr2:168,996,711, A>G on the plus strand (T>C on the coding strand, the complement: ABCB11 is on the minus strand). VCF-style: chr2-168996711-A-G. GRCh37 (hg19) VCF-style: chr2-169853221-A-G.
Other names: short protein forms I134T.
Identifiers: ClinVar variation 4846046 (VCV004846046.1).

ClinVar aggregate classification (germline): Uncertain significance (1 of 4 stars; one submission).

Conditions:
Familial intrahepatic cholestasis. Identifiers: Orphanet 284385, MedGen CN296401, MONDO:0017290.

Submission:

Genomenon, Inc
Classification: Uncertain significance for Familial intrahepatic cholestasis. Last evaluated: 2026-04-14. Review status: criteria provided, single submitter. Criteria: Genomenon Sequence Variant Interpretation Standards - Updated. Collection method: curation. Allele origin: germline. Affected: no.
Comment: ABCB11 p.Ile134Thr (c.401T>C) is a missense variant that changes the amino acid at residue 134 from Isoleucine to Threonine. This variant has been reported in the published literature (PMID:12404240). It is absent or not present at a significant frequency in gnomAD. In silico models predict that this variant is possibly or probably damaging. In conclusion, we classify ABCB11 p.Ile134Thr (c.401T>C) as a variant of uncertain significance.

Literature cited by the submitters: PubMed 12404240.